The following is an entry in ClinVar:

ClinVar aggregate classification (germline): Uncertain significance (1 of 4 stars; one submission).

Conditions:
Peroxisome biogenesis disorder. Identifiers: Orphanet 79189, MedGen C1832200, MONDO:0019234. Disease mechanism: loss of function.

Allele frequency attached by ClinVar (database versions not stated): TOPMed below 0.00001; ExAC 0.00001; gnomAD 0.00001.
gnomAD v4.1: 1 of 1,613,118 alleles (0.000062%); highest among the groups gnomAD compares: Non-Finnish European, 0.000085%; no homozygotes.

Submission:

Labcorp Genetics (formerly Invitae), Labcorp
Classification: Uncertain significance for Peroxisome biogenesis disorder. Last evaluated: 2022-07-30. Review status: criteria provided, single submitter. Criteria: Invitae Variant Classification Sherloc (09022015). Collection method: clinical testing. Allele origin: germline.
Comment: This sequence change replaces leucine, which is neutral and non-polar, with proline, which is neutral and non-polar, at codon 229 of the PEX16 protein (p.Leu229Pro). This variant is not present in population databases (gnomAD no frequency). This variant has not been reported in the literature in individuals affected with PEX16-related conditions. Algorithms developed to predict the effect of missense changes on protein structure and function are either unavailable or do not agree on the potential impact of this missense change (SIFT: "Deleterious"; PolyPhen-2: "Probably Damaging"; Align-GVGD: "Class C0"). In summary, the available evidence is currently insufficient to determine the role of this variant in disease. Therefore, it has been classified as a Variant of Uncertain Significance.

NM_004813.4(PEX16):c.686T>C (p.Leu229Pro)

Gene: PEX16 (peroxisomal biogenesis factor 16; minus strand). Cytogenetic location: 11p11.2.
Variant type: single nucleotide variant.
Coding change: c.686T>C on transcript NM_004813.4 (MANE Select); coding-DNA position 686, T replaced by C.
Protein change: p.Leu229Pro; replaces leucine 229 with proline.
Molecular consequence: missense variant.
Genome position (GRCh38, 1-based): chr11:45,914,324, A>G on the plus strand (T>C on the coding strand, the complement: PEX16 is on the minus strand). VCF-style: chr11-45914324-A-G. GRCh37 (hg19) VCF-style: chr11-45935875-A-G.
Other names: c.686T>C, p.Leu229Pro (NM_057174.3); short protein forms L229P.
Identifiers: ClinVar variation 2116293 (VCV002116293.4), dbSNP rs756167148, ClinGen allele CA5959876.